The following is an entry in ClinVar:

NM_000127.3(EXT1):c.1027G>C (p.Gly343Arg)

Gene: EXT1 (exostosin glycosyltransferase 1; minus strand). Cytogenetic location: 8q24.11.
Variant type: single nucleotide variant.
Coding change: c.1027G>C on transcript NM_000127.3 (MANE Select); coding-DNA position 1027, G replaced by C.
Protein change: p.Gly343Arg; replaces glycine 343 with arginine.
Molecular consequence: missense variant.
Genome position (GRCh38, 1-based): chr8:117,837,137, C>G on the plus strand (G>C on the coding strand, the complement: EXT1 is on the minus strand). VCF-style: chr8-117837137-C-G. GRCh37 (hg19) VCF-style: chr8-118849376-C-G.
Other names: short protein forms G343R.
Identifiers: ClinVar variation 4293914 (VCV004293914.2).

ClinVar aggregate classification (germline): Pathogenic. Review status: criteria provided, multiple submitters, no conflicts (2 of 4 stars). 2 submissions from 2 submitters: Pathogenic (2). Last evaluated 2025-10-20.

Conditions:
Exostoses, multiple, type 1 (EXT1). Also called: EXOSTOSES, MULTIPLE, TYPE I; Hereditary Multiple Osteochondromatosis, Type I. Identifiers: MedGen CN263289, MONDO:0007585, OMIM 133700.
Multiple congenital exostosis (EXT). Also called: Multiple osteochondromas; MULTIPLE CARTILAGINOUS EXOSTOSES; Multiple exostoses; Hereditary multiple osteochondromas; Hereditary multiple exostoses; Hereditary multiple exostosis. Identifiers: Orphanet 321, MedGen C0015306, MONDO:0005508, HP:0002762.

Submissions (2):

Labcorp Genetics (formerly Invitae), Labcorp
Classification: Pathogenic for Multiple congenital exostosis. Last evaluated: 2025-10-20. Review status: criteria provided, single submitter. Criteria: Invitae Variant Classification Sherloc (09022015). Collection method: clinical testing. Allele origin: germline.
Comment: This sequence change replaces glycine, which is neutral and non-polar, with arginine, which is basic and polar, at codon 343 of the EXT1 protein (p.Gly343Arg). This variant is not present in population databases (gnomAD no frequency). This missense change has been observed in individual(s) with clinical features of hereditary multiple osteochondromatosis (PMID: 19810120; internal data). Invitae Evidence Modeling of protein sequence and biophysical properties (such as structural, functional, and spatial information, amino acid conservation, physicochemical variation, residue mobility, and thermodynamic stability) indicates that this missense variant is expected to disrupt EXT1 protein function with a positive predictive value of 80%. This variant disrupts the p.Gly343 amino acid residue in EXT1. Other variant(s) that disrupt this residue have been observed in individuals with EXT1-related conditions (PMID: 15586175), which suggests that this may be a clinically significant amino acid residue. For these reasons, this variant has been classified as Pathogenic.

3billion
Classification: Pathogenic for Exostoses, multiple, type 1. Last evaluated: 2025-04-15. Review status: criteria provided, single submitter. Criteria: ACMG Guidelines, 2015. Collection method: clinical testing. Allele origin: germline. Affected: yes.
Comment: The variant is not observed in the gnomAD v4.1.0 dataset. Predicted Consequence/Location: The variant is located in a mutational hot spot and/or well-established functional domain in which established pathogenic variants have been reported. Missense variant. The majority of the known disease-causing variants of this gene are variants expected to result in premature termination of the protein. In silico tool predictions suggest damaging effect of the variant on gene or gene product [REVEL: 0.95 (>=0.6, sensitivity 0.68 and specificity 0.92); 3Cnet: 0.78 (> 0.75, sensitivity 0.96 and precision 0.92)]. The different nucleotide change resulting in the same amino acid change has been previously reported as pathogenic/likely pathogenic with strong evidence (ClinVar ID: VCV001071749 / PMID: 19810120). A different missense change at the same codon (p.Gly343Trp) has been reported to be associated with EXT1-related disorder (PMID: 15586175). Therefore, this variant is classified as Pathogenic according to the recommendation of ACMG/AMP guideline.

Literature cited by the submitters: PubMed 19810120 (cited by Labcorp Genetics (formerly Invitae), Labcorp and 3billion); PubMed 15586175 (cited by Labcorp Genetics (formerly Invitae), Labcorp and 3billion).